The following is an entry in ClinVar:

ClinVar aggregate classification (germline): Uncertain significance (1 of 4 stars; one submission).

Conditions:
Osteogenesis imperfecta type I (OI1). Also called: OI, TYPE I; OSTEOGENESIS IMPERFECTA TARDA; OSTEOGENESIS IMPERFECTA WITH BLUE SCLERAE; Lobstein's Disease; Osteogenesis imperfecta type 1; Classic Non-deforming Osteogenesis Imperfecta with Blue Sclerae. Identifiers: Orphanet 216796, Orphanet 666, MedGen C0023931, MONDO:0008146, OMIM 166200. Disease mechanism: loss of function.

gnomAD v4.1: 4 of 1,614,136 alleles (0.00025%); highest among the groups gnomAD compares: Non-Finnish European, 0.00034%; no homozygotes.

Submission:

Labcorp Genetics (formerly Invitae), Labcorp
Classification: Uncertain significance for Osteogenesis imperfecta type I. Last evaluated: 2025-06-06. Review status: criteria provided, single submitter. Criteria: Invitae Variant Classification Sherloc (09022015). Collection method: clinical testing. Allele origin: germline.
Comment: This sequence change replaces alanine, which is neutral and non-polar, with glycine, which is neutral and non-polar, at codon 259 of the COL1A1 protein (p.Ala259Gly). This variant is not present in population databases (gnomAD no frequency). This variant has not been reported in the literature in individuals affected with COL1A1-related conditions. Invitae Evidence Modeling of protein sequence and biophysical properties (such as structural, functional, and spatial information, amino acid conservation, physicochemical variation, residue mobility, and thermodynamic stability) indicates that this missense variant is expected to disrupt COL1A1 protein function with a positive predictive value of 80%. In summary, the available evidence is currently insufficient to determine the role of this variant in disease. Therefore, it has been classified as a Variant of Uncertain Significance.

NM_000088.4(COL1A1):c.776C>G (p.Ala259Gly)

Genes: COL1A1 (collagen type I alpha 1 chain; minus strand), LOC126862586 (CDK7 strongly-dependent group 2 enhancer GRCh37_chr17:48273702-48274901; plus strand). Cytogenetic location: 17q21.33.
Variant type: single nucleotide variant.
Coding change: c.776C>G on transcript NM_000088.4 (MANE Select); coding-DNA position 776, C replaced by G.
Protein change: p.Ala259Gly; replaces alanine 259 with glycine.
Molecular consequence: missense variant.
Genome position (GRCh38, 1-based): chr17:50,197,038, G>C on the plus strand (C>G on the coding strand, the complement: COL1A1 is on the minus strand). VCF-style: chr17-50197038-G-C. GRCh37 (hg19) VCF-style: chr17-48274399-G-C.
Other names: short protein forms A259G.
Identifiers: ClinVar variation 4800896 (VCV004800896.1).